The following is an entry in ClinVar:

NM_020433.5(JPH2):c.535T>C (p.Ser179Pro)

Gene: JPH2 (junctophilin 2; minus strand). Cytogenetic location: 20q13.12.
Variant type: single nucleotide variant.
Coding change: c.535T>C on transcript NM_020433.5 (MANE Select); coding-DNA position 535, T replaced by C.
Protein change: p.Ser179Pro; replaces serine 179 with proline.
Molecular consequence: missense variant.
Genome position (GRCh38, 1-based): chr20:44,160,252, A>G on the plus strand (T>C on the coding strand, the complement: JPH2 is on the minus strand). VCF-style: chr20-44160252-A-G. GRCh37 (hg19) VCF-style: chr20-42788892-A-G.
Other names: short protein forms S179P.
Identifiers: ClinVar variation 569709 (VCV000569709.14), dbSNP rs1272379812, ClinGen allele CA409094185.

ClinVar aggregate classification (germline): Uncertain significance. Review status: criteria provided, multiple submitters, no conflicts (2 of 4 stars). 4 submissions from 4 submitters: Uncertain significance (4). Last evaluated 2026-05-05.

Conditions:
JPH2-related disorder. Also called: JPH2-related condition.
Cardiovascular phenotype. Identifiers: MedGen CN230736.
Hypertrophic cardiomyopathy. Also called: HYPERTROPHIC MYOCARDIOPATHY. Identifiers: Orphanet 217569, MedGen C0007194, MeSH D002312, MONDO:0005045, HP:0001639.

Allele frequency attached by ClinVar (database versions not stated): gnomAD exomes below 0.00001 and 0.00001.
gnomAD v4.1: 3 of 1,516,628 alleles (0.0002%); highest among the groups gnomAD compares: Non-Finnish European, 0.00026%; no homozygotes.

Submissions (4):

PreventionGenetics, part of Exact Sciences
Classification: Uncertain significance for JPH2-related condition. Last evaluated: 2026-05-05. Review status: criteria provided, single submitter. Criteria: ACMG Guidelines, 2015. Collection method: clinical testing. Allele origin: germline.
Comment: The JPH2 c.535T>C variant is predicted to result in the amino acid substitution p.Ser179Pro. To our knowledge, this variant has not been reported in the literature. This variant is reported in 0.0022% of alleles in individuals of European (Non-Finnish) descent in gnomAD. At this time, the clinical significance of this variant is uncertain due to the absence of conclusive functional and genetic evidence.

Labcorp Genetics (formerly Invitae), Labcorp
Classification: Uncertain significance for Hypertrophic cardiomyopathy. Last evaluated: 2024-10-18. Review status: criteria provided, single submitter. Criteria: Invitae Variant Classification Sherloc (09022015). Collection method: clinical testing. Allele origin: germline.
Comment: This sequence change replaces serine, which is neutral and polar, with proline, which is neutral and non-polar, at codon 179 of the JPH2 protein (p.Ser179Pro). This variant is present in population databases (no rsID available, gnomAD 0.002%). This variant has not been reported in the literature in individuals affected with JPH2-related conditions. ClinVar contains an entry for this variant (Variation ID: 569709). An algorithm developed to predict the effect of missense changes on protein structure and function (PolyPhen-2) suggests that this variant is likely to be tolerated. In summary, the available evidence is currently insufficient to determine the role of this variant in disease. Therefore, it has been classified as a Variant of Uncertain Significance.

GeneDx
Classification: Uncertain significance. Last evaluated: 2024-07-24. Review status: criteria provided, single submitter. Criteria: GeneDx Variant Classification Process June 2021. Collection method: clinical testing. Allele origin: germline. Affected: yes.
Comment: Has not been previously published as pathogenic or benign to our knowledge; Not observed at significant frequency in large population cohorts (gnomAD); In silico analysis indicates that this missense variant does not alter protein structure/function

Ambry Genetics
Classification: Uncertain significance for Cardiovascular phenotype. Last evaluated: 2022-03-08. Review status: criteria provided, single submitter. Criteria: Ambry Variant Classification Scheme 2023. Collection method: clinical testing. Allele origin: germline.
Comment: The p.S179P variant (also known as c.535T>C), located in coding exon 2 of the JPH2 gene, results from a T to C substitution at nucleotide position 535. The serine at codon 179 is replaced by proline, an amino acid with similar properties. This amino acid position is conserved. In addition, this alteration is predicted to be tolerated by in silico analysis. Since supporting evidence is limited at this time, the clinical significance of this alteration remains unclear.